The following is an entry in ClinVar:

NM_000203.5(IDUA):c.494G>A (p.Gly165Asp)

Gene: IDUA (alpha-L-iduronidase; plus strand). Cytogenetic location: 4p16.3.
Variant type: single nucleotide variant.
Coding change: c.494G>A on transcript NM_000203.5 (MANE Select); coding-DNA position 494, G replaced by A.
Protein change: p.Gly165Asp; replaces glycine 165 with aspartic acid.
Molecular consequence: missense variant. On other transcripts: non-coding transcript variant (1).
Genome position (GRCh38, 1-based): chr4:1,001,468, G>A. VCF-style: chr4-1001468-G-A. GRCh37 (hg19) VCF-style: chr4-995256-G-A.
Other names: c.98G>A, p.Gly33Asp (NM_001363576.1); c.494G>A (NM_000203.3); short protein forms G165D, G33D.
Identifiers: ClinVar variation 971486 (VCV000971486.14), dbSNP rs150763745, ClinGen allele CA2801966.

ClinVar aggregate classification (germline): Conflicting classifications of pathogenicity. Review status: criteria provided, conflicting classifications (1 of 4 stars). 5 submissions from 5 submitters: Uncertain significance (3); Likely benign (1). 1 of the submissions does not count toward it. Last evaluated 2026-05-20.

Conditions:
Inborn genetic diseases. Identifiers: MedGen C0950123, MeSH D030342.
Mucopolysaccharidosis type 1. Also called: IDUA deficiency; MPS I; Mucopolysaccharidosis Type I. Identifiers: Orphanet 579, MedGen C0023786, MONDO:0001586.
Mucopolysaccharidosis, MPS-I-H/S. Also called: Mucopolysaccharidosis type IH/S. Identifiers: Orphanet 93476, MedGen C0086431, MONDO:0011759, OMIM 607015.
Mucopolysaccharidosis, MPS-I-S. Also called: MPS V; MUCOPOLYSACCHARIDOSIS TYPE V; MUCOPOLYSACCHARIDOSIS TYPE IS; Scheie Syndrome. Identifiers: Orphanet 93474, MedGen C0026708, MONDO:0011760, OMIM 607016.
Hurler syndrome. Also called: MUCOPOLYSACCHARIDOSIS TYPE IH; Severe MPS I (Hurler Syndrome); Gargoylism, Hurler Syndrome. Identifiers: Orphanet 93473, MedGen C0086795, MONDO:0011758, OMIM 607014.

Allele frequency attached by ClinVar (database versions not stated): gnomAD exomes 0.00008 and 0.00002; ExAC 0.00010; 1000 Genomes Project 0.00080; gnomAD 0.00042 and 0.00043; 1000 Genomes Project 30x 0.00062; ESP Exome Variant Server 0.00062; TOPMed 0.00051.
gnomAD v4.1: 100 of 1,612,840 alleles (0.0062%); highest among the groups gnomAD compares: African/African-American, 0.13%; no homozygotes.

Submissions (5):

Ambry Genetics
Classification: Uncertain significance for Inborn genetic diseases. Last evaluated: 2026-05-20. Review status: criteria provided, single submitter. Criteria: Ambry Variant Classification Scheme 2023. Collection method: clinical testing. Allele origin: germline.
Comment: The p.G165D variant (also known as c.494G>A) is located in coding exon 5 of the IDUA gene. The glycine at codon 165 is replaced by aspartic acid, an amino acid with similar properties. This change occurs in the first base pair of coding exon 5. This amino acid position is conserved. In addition, the in silico prediction for this alteration is inconclusive. Based on the available evidence, the clinical significance of this variant remains unclear.

Labcorp Genetics (formerly Invitae), Labcorp
Classification: Likely benign for Mucopolysaccharidosis type 1. Last evaluated: 2026-01-20. Review status: criteria provided, single submitter. Criteria: Invitae Variant Classification Sherloc (09022015). Collection method: clinical testing. Allele origin: germline.

Women's Health and Genetics/Laboratory Corporation of America, LabCorp
Classification: Uncertain significance. Last evaluated: 2024-01-11. Review status: criteria provided, single submitter. Criteria: LabCorp Variant Classification Summary - May 2015. Collection method: clinical testing. Allele origin: germline.

Fulgent Genetics
Classification: Uncertain significance for Hurler syndrome; Mucopolysaccharidosis, MPS-I-H/S; Mucopolysaccharidosis, MPS-I-S. Last evaluated: 2021-07-06. Review status: criteria provided, single submitter. Criteria: ACMG Guidelines, 2015. Collection method: clinical testing. Allele origin: unknown.

Natera, Inc.
Classification: Uncertain significance for Mucopolysaccharidosis type I. Last evaluated: 2020-04-22. Review status: no assertion criteria provided. Collection method: clinical testing. Allele origin: germline. Not counted in ClinVar's aggregate classification.